The following is an entry in ClinVar:

ClinVar aggregate classification (germline): Pathogenic. Review status: criteria provided, single submitter (1 of 4 stars). 2 submissions from 2 submitters: Pathogenic (1). 1 of the submissions does not count toward it. Last evaluated 2023-07-29.

Conditions:
Atelosteogenesis type I. Also called: GIANT CELL CHONDRODYSPLASIA; Atelosteogenesis Type 1 (FLNB-AO1); SPONDYLOHUMEROFEMORAL HYPOPLASIA. Identifiers: Orphanet 1190, MedGen C0265283, MONDO:0007167, OMIM 108720.

Submissions (2):

GeneDx
Classification: Pathogenic. Last evaluated: 2023-07-29. Review status: criteria provided, single submitter. Criteria: GeneDx Variant Classification Process June 2021. Collection method: clinical testing. Allele origin: germline. Affected: yes.
Comment: Not observed in large population cohorts (gnomAD); In silico analysis supports that this missense variant has a deleterious effect on protein structure/function; This variant is associated with the following publications: (PMID: 26491051, 19505475, 15994868, 14991055)

OMIM
Classification: Pathogenic for ATELOSTEOGENESIS, TYPE I. Last evaluated: 2004-04-01. Review status: no assertion criteria provided. Collection method: literature only. Allele origin: germline. Not counted in ClinVar's aggregate classification.

Literature cited by the submitters: PubMed 14991055 (cited by OMIM).

NM_001457.4(FLNB):c.518C>T (p.Ala173Val)

Gene: FLNB (filamin B; plus strand). Cytogenetic location: 3p14.3.
Variant type: single nucleotide variant.
Coding change: c.518C>T on transcript NM_001457.4 (MANE Select); coding-DNA position 518, C replaced by T.
Protein change: p.Ala173Val; replaces alanine 173 with valine.
Molecular consequence: missense variant.
Genome position (GRCh38, 1-based): chr3:58,077,271, C>T. VCF-style: chr3-58077271-C-T. GRCh37 (hg19) VCF-style: chr3-58062998-C-T.
Other names: c.518C>T, p.Ala173Val (NM_001164317.2, NM_001164318.2, NM_001164319.2); c.518C>T (NM_001457.3); short protein forms A173V.
Identifiers: ClinVar variation 6400 (VCV000006400.2), dbSNP rs121908894, ClinGen allele CA253856.